The following is an entry in ClinVar:

NM_001164508.2(NEB):c.21197T>C (p.Leu7066Pro)

Gene: NEB (nebulin; minus strand). Cytogenetic location: 2q23.3.
Variant type: single nucleotide variant.
Coding change: c.21197T>C on transcript NM_001164508.2 (MANE Select); coding-DNA position 21197, T replaced by C.
Protein change: p.Leu7066Pro; replaces leucine 7066 with proline.
Molecular consequence: missense variant.
Genome position (GRCh38, 1-based): chr2:151,537,142, A>G on the plus strand (T>C on the coding strand, the complement: NEB is on the minus strand). VCF-style: chr2-151537142-A-G. GRCh37 (hg19) VCF-style: chr2-152393656-A-G.
Other names: c.21197T>C, p.Leu7066Pro (NM_001164507.2, NM_001271208.2); c.16094T>C, p.Leu5365Pro (NM_004543.5); short protein forms L5365P, L7066P.
Identifiers: ClinVar variation 2011851 (VCV002011851.4), dbSNP rs2552149468, ClinGen allele CA348774898.
Genomic context (GRCh38, chr2:151,537,142, plus strand): 5'-TACAGGTATATGTCGAATGGATGAGGCCAATTCTCCTTGAGTATATATACCTTGCTGTAG[A>G]GAGTCTTGTTCTTTTCAGCCAGAGTGAAATCAGGGGTATCATAGGCATAGCAACCAATGC-3'
Protein context (NP_001157980.2, residues 7056-7076): DFTLAEKNKT[Leu7066Pro]YSKYKYKEVF

ClinVar aggregate classification (germline): Uncertain significance (1 of 4 stars; one submission).

Conditions:
Nemaline myopathy 2 (NEM2). Also called: Nemaline myopathy 2, autosomal recessive. Identifiers: MedGen C1850569, MONDO:0009725, OMIM 256030.

Submission:

Labcorp Genetics (formerly Invitae), Labcorp
Classification: Uncertain significance for Nemaline myopathy 2. Last evaluated: 2022-07-06. Review status: criteria provided, single submitter. Criteria: Invitae Variant Classification Sherloc (09022015). Collection method: clinical testing. Allele origin: germline.
Comment: This sequence change replaces leucine, which is neutral and non-polar, with proline, which is neutral and non-polar, at codon 7066 of the NEB protein (p.Leu7066Pro). This variant is not present in population databases (gnomAD no frequency). This variant has not been reported in the literature in individuals affected with NEB-related conditions. Algorithms developed to predict the effect of missense changes on protein structure and function are either unavailable or do not agree on the potential impact of this missense change (SIFT: "Deleterious"; PolyPhen-2: "Not Available"; Align-GVGD: "Class C0"). In summary, the available evidence is currently insufficient to determine the role of this variant in disease. Therefore, it has been classified as a Variant of Uncertain Significance.